The following is an entry in ClinVar:

NM_006393.3(NEBL):c.242G>C (p.Gly81Ala)

Gene: NEBL (nebulette; minus strand). Cytogenetic location: 10p12.31.
Variant type: single nucleotide variant.
Coding change: c.242G>C on transcript NM_006393.3 (MANE Select); coding-DNA position 242, G replaced by C.
Protein change: p.Gly81Ala; replaces glycine 81 with alanine.
Molecular consequence: missense variant. On other transcripts: intron variant (9).
Genome position (GRCh38, 1-based): chr10:20,889,861, C>G on the plus strand (G>C on the coding strand, the complement: NEBL is on the minus strand). VCF-style: chr10-20889861-C-G. GRCh37 (hg19) VCF-style: chr10-21178790-C-G.
Other names: c.249+71811G>C (NM_001377326.1, NM_001377327.1, NM_001377328.1); c.357+71811G>C (NM_213569.2, NM_001173484.2, NM_001377322.1); c.300+71811G>C (NM_001377324.1); c.291+71811G>C (NM_001377325.1); c.309+71811G>C (NM_001377323.1); short protein forms G81A.
Identifiers: ClinVar variation 454270 (VCV000454270.9), dbSNP rs1442801795, ClinGen allele CA376096393.

ClinVar aggregate classification (germline): Uncertain significance (1 of 4 stars; one submission).

Conditions:
Primary dilated cardiomyopathy (DCM). Also called: Dilated Cardiomyopathy. Identifiers: Orphanet 217604, MedGen C0007193, MeSH D002311, MONDO:0005021, HP:0001644. Inheritance: Various modes of inheritance.

Allele frequency attached by ClinVar (database versions not stated): gnomAD 0.00001; TOPMed 0.00001.
gnomAD v4.1: 11 of 1,610,152 alleles (0.00068%); highest among the groups gnomAD compares: Non-Finnish European, 0.00085%; no homozygotes.

Submission:

Labcorp Genetics (formerly Invitae), Labcorp
Classification: Uncertain significance for Primary dilated cardiomyopathy. Last evaluated: 2025-01-14. Review status: criteria provided, single submitter. Criteria: Invitae Variant Classification Sherloc (09022015). Collection method: clinical testing. Allele origin: germline.
Comment: This sequence change replaces glycine, which is neutral and non-polar, with alanine, which is neutral and non-polar, at codon 81 of the NEBL protein (p.Gly81Ala). This variant is not present in population databases (gnomAD no frequency). This variant has not been reported in the literature in individuals affected with NEBL-related conditions. ClinVar contains an entry for this variant (Variation ID: 454270). An algorithm developed to predict the effect of missense changes on protein structure and function (PolyPhen-2) suggests that this variant is likely to be tolerated. In summary, the available evidence is currently insufficient to determine the role of this variant in disease. Therefore, it has been classified as a Variant of Uncertain Significance.